The following is an entry in ClinVar:

NM_002936.6(RNASEH1):c.632G>T (p.Ser211Ile)

Gene: RNASEH1 (ribonuclease H1; minus strand). Cytogenetic location: 2p25.3.
Variant type: single nucleotide variant.
Coding change: c.632G>T on transcript NM_002936.6 (MANE Select); coding-DNA position 632, G replaced by T.
Protein change: p.Ser211Ile; replaces serine 211 with isoleucine.
Molecular consequence: missense variant. On other transcripts: non-coding transcript variant (7).
Genome position (GRCh38, 1-based): chr2:3,548,657, C>A on the plus strand (G>T on the coding strand, the complement: RNASEH1 is on the minus strand). VCF-style: chr2-3548657-C-A. GRCh37 (hg19) VCF-style: chr2-3596247-C-A.
Other names: c.554G>T, p.Ser185Ile (NM_001286834.3); c.281G>T, p.Ser94Ile (NM_001286837.3); c.632G>T, p.Ser211Ile (NM_001378271.1); c.629G>T, p.Ser210Ile (NM_001378272.1); c.617G>T, p.Ser206Ile (NM_001378273.1); short protein forms S210I, S94I, S185I, S206I, S211I.
Identifiers: ClinVar variation 2016156 (VCV002016156.4), dbSNP rs2528044827, ClinGen allele CA345736709.

ClinVar aggregate classification (germline): Uncertain significance (1 of 4 stars; one submission).

Submission:

Labcorp Genetics (formerly Invitae), Labcorp
Classification: Uncertain significance. Last evaluated: 2022-10-13. Review status: criteria provided, single submitter. Criteria: Invitae Variant Classification Sherloc (09022015). Collection method: clinical testing. Allele origin: germline.
Comment: This sequence change replaces serine, which is neutral and polar, with isoleucine, which is neutral and non-polar, at codon 211 of the RNASEH1 protein (p.Ser211Ile). This variant is not present in population databases (gnomAD no frequency). This variant has not been reported in the literature in individuals affected with RNASEH1-related conditions. Advanced modeling of protein sequence and biophysical properties (such as structural, functional, and spatial information, amino acid conservation, physicochemical variation, residue mobility, and thermodynamic stability) performed at Invitae indicates that this missense variant is expected to disrupt RNASEH1 protein function. In summary, the available evidence is currently insufficient to determine the role of this variant in disease. Therefore, it has been classified as a Variant of Uncertain Significance.